The following is an entry in ClinVar:

ClinVar aggregate classification (germline): Uncertain significance. Review status: criteria provided, multiple submitters, no conflicts (2 of 4 stars). 3 submissions from 3 submitters: Uncertain significance (3). Last evaluated 2025-12-04.

Conditions:
NFAT5-related disorder. Also called: NFAT5-related condition.
Immunodeficiency. Identifiers: MedGen C0021051, MONDO:0021094, HP:0002721.

Allele frequency attached by ClinVar (database versions not stated): gnomAD exomes 0.00002; ExAC 0.00003; gnomAD 0.00006; ESP Exome Variant Server 0.00008; TOPMed 0.00008; 1000 Genomes Project 30x 0.00016; 1000 Genomes Project 0.00020.
gnomAD v4.1: 35 of 1,614,190 alleles (0.0022%); highest among the groups gnomAD compares: African/African-American, 0.012%; no homozygotes.

Submissions (3):

Ambry Genetics
Classification: Uncertain significance. Last evaluated: 2025-12-04. Review status: criteria provided, single submitter. Criteria: Ambry Variant Classification Scheme 2023. Collection method: clinical testing. Allele origin: germline.

Labcorp Genetics (formerly Invitae), Labcorp
Classification: Uncertain significance for Immunodeficiency. Last evaluated: 2025-10-09. Review status: criteria provided, single submitter. Criteria: Invitae Variant Classification Sherloc (09022015). Collection method: clinical testing. Allele origin: germline.
Comment: This sequence change replaces serine, which is neutral and polar, with leucine, which is neutral and non-polar, at codon 1268 of the NFAT5 protein (p.Ser1268Leu). This variant is present in population databases (rs376194958, gnomAD 0.01%). This variant has not been reported in the literature in individuals affected with NFAT5-related conditions. ClinVar contains an entry for this variant (Variation ID: 940985). An algorithm developed to predict the effect of missense changes on protein structure and function (PolyPhen-2) suggests that this variant is likely to be tolerated. In summary, the available evidence is currently insufficient to determine the role of this variant in disease. Therefore, it has been classified as a Variant of Uncertain Significance.

PreventionGenetics, part of Exact Sciences
Classification: Uncertain significance for NFAT5-related condition. Last evaluated: 2025-02-24. Review status: criteria provided, single submitter. Criteria: ACMG Guidelines, 2015. Collection method: clinical testing. Allele origin: germline.
Comment: The NFAT5 c.3803C>T variant is predicted to result in the amino acid substitution p.Ser1268Leu. To our knowledge, this variant has not been reported in the literature. This variant is reported in 0.012% of alleles in individuals of African descent in gnomAD. At this time, the clinical significance of this variant is uncertain due to the absence of conclusive functional and genetic evidence.

NM_138713.4(NFAT5):c.4085C>T (p.Ser1362Leu)

Gene: NFAT5 (nuclear factor of activated T cells 5; plus strand). Cytogenetic location: 16q22.1.
Variant type: single nucleotide variant.
Coding change: c.4085C>T on transcript NM_138713.4 (MANE Select); coding-DNA position 4085, C replaced by T.
Protein change: p.Ser1362Leu; replaces serine 1362 with leucine.
Molecular consequence: missense variant.
Genome position (GRCh38, 1-based): chr16:69,693,910, C>T. VCF-style: chr16-69693910-C-T. GRCh37 (hg19) VCF-style: chr16-69727813-C-T.
Other names: c.4085C>T (NM_138713.3); c.4082C>T, p.Ser1361Leu (NM_001113178.3); c.3410C>T, p.Ser1137Leu (NM_001367709.1); c.4031C>T, p.Ser1344Leu (NM_006599.4); c.3803C>T, p.Ser1268Leu (NM_138714.4, NM_173214.3, NM_173215.3); short protein forms S1137L, S1344L, S1268L, S1361L, S1362L.
Identifiers: ClinVar variation 940985 (VCV000940985.13), dbSNP rs376194958, ClinGen allele CA8136003.